The following is an entry in ClinVar:

NM_001940.4(ATN1):c.2842C>T (p.Pro948Ser)

Gene: ATN1 (atrophin 1; plus strand). Cytogenetic location: 12p13.31.
Variant type: single nucleotide variant.
Coding change: c.2842C>T on transcript NM_001940.4 (MANE Select); coding-DNA position 2842, C replaced by T.
Protein change: p.Pro948Ser; replaces proline 948 with serine.
Molecular consequence: missense variant.
Genome position (GRCh38, 1-based): chr12:6,938,805, C>T. VCF-style: chr12-6938805-C-T. GRCh37 (hg19) VCF-style: chr12-7047968-C-T.
Other names: c.2842C>T, p.Pro948Ser (NM_001007026.2, NM_001424176.1, NM_001424177.1 and 1 more transcripts); c.2839C>T, p.Pro947Ser (NM_001424179.1, NM_001424180.1); short protein forms P947S, P948S.
Identifiers: ClinVar variation 4874177 (VCV004874177.2).
Genomic context (GRCh38, chr12:6,938,805, plus strand): 5'-CCAGCTGCCCGGGAGAGGGAACGGGAAGCCCGTGAACGAGACCTCCGTGACCGCCTCAAG[C>T]CTGGCTTTGAGGTGAAGCCTAGTGAGCTGGAACCCCTACATGGGGTCCCTGGGCCGGGCT-3'
Protein context (NP_001931.2, residues 938-958): RERDLRDRLK[Pro948Ser]GFEVKPSELE

ClinVar aggregate classification (germline): Uncertain significance (1 of 4 stars; one submission).

Submission:

CeGaT Center for Human Genetics Tuebingen
Classification: Uncertain significance. Last evaluated: 2026-06-01. Review status: criteria provided, single submitter. Criteria: CeGaT Center For Human Genetics Tuebingen Variant Classification Criteria Version 2. Collection method: clinical testing. Allele origin: germline. Affected: yes. Observed: 1 variant allele.
Comment: ATN1: PM2